The following is an entry in ClinVar:

ClinVar aggregate classification (germline): Pathogenic (1 of 4 stars; one submission).

Submission:

ISCA site 4
Classification: Pathogenic. Last evaluated: 2011-08-12. Review status: criteria provided, single submitter. Criteria: Kaminsky et al. (Genet Med. 2011). Collection method: clinical testing. Allele origin: de novo. Affected: yes. Observed: 1 variant allele.
Comment: Copy number variation identified through the course of routine clinical cytogenomic testing in postnatal populations. Clinical assertions have been curated as described in Kaminsky et al. 2011.

GRCh38/hg38 14q23.1-23.3(chr14:59917051-66750803)x1

Genes: LRRC9 (leucine rich repeat containing 9; plus strand), MAX (MYC associated factor X; minus strand), MIR4706 (microRNA 4706; plus strand), MIR4708 (microRNA 4708; minus strand), MIR548H1 (microRNA 548h-1; minus strand) and 261 more. Cytogenetic location: 14q23.1-23.3.
Variant type: copy number loss.
Change: copy number 1 (one copy instead of two) of chr14:59,917,051-66,750,803 (6.83 Mb, GRCh38 coordinates, 1-based), cytogenetic band 14q23.1-23.3.
Identifiers: ClinVar variation 57228 (VCV000057228.1).